The following is an entry in ClinVar:

ClinVar aggregate classification (germline): Conflicting classifications of pathogenicity. Review status: criteria provided, conflicting classifications (1 of 4 stars). 4 submissions from 3 submitters: Uncertain significance (2); Benign (1); Likely benign (1). Last evaluated 2025-07-12.

Conditions:
Brachydactyly type B1 (BDB1). Identifiers: Orphanet 572385, Orphanet 93383, MedGen C1862112, MONDO:0007220, OMIM 113000.
Autosomal recessive Robinow syndrome (RRS1). Also called: COSTOVERTEBRAL SEGMENTATION DEFECT WITH MESOMELIA; COVESDEM SYNDROME; ROR2-Related Robinow Syndrome; ROBINOW SYNDROME, AUTOSOMAL RECESSIVE 1. Identifiers: Orphanet 1507, Orphanet 97360, MedGen C5399974, MONDO:0009999, OMIM 268310.

Allele frequency attached by ClinVar (database versions not stated): TOPMed 0.00004; gnomAD 0.00005 and 0.00006; ESP Exome Variant Server 0.00008; gnomAD exomes 0.00010; ExAC 0.00012.
gnomAD v4.1: 82 of 1,612,678 alleles (0.0051%); highest among the groups gnomAD compares: Non-Finnish European, 0.00093%; no homozygotes.

Submissions (4):

Labcorp Genetics (formerly Invitae), Labcorp
Classification: Likely benign. Last evaluated: 2025-07-12. Review status: criteria provided, single submitter. Criteria: Invitae Variant Classification Sherloc (09022015). Collection method: clinical testing. Allele origin: germline.

Department of Pathology and Laboratory Medicine, Sinai Health System
Classification: Uncertain significance for Brachydactyly type B1; Autosomal recessive Robinow syndrome. Last evaluated: 2023-04-21. Review status: criteria provided, single submitter. Criteria: ACMG Guidelines, 2015. Collection method: research. Allele origin: germline.

Illumina Laboratory Services, Illumina
Classification: Uncertain significance for Autosomal recessive Robinow syndrome. Last evaluated: 2018-03-02. Review status: criteria provided, single submitter. Criteria: ICSL Variant Classification Criteria 13 December 2019. Collection method: clinical testing. Allele origin: germline.

Illumina Laboratory Services, Illumina
Classification: Benign for Brachydactyly type B1. Last evaluated: 2018-02-28. Review status: criteria provided, single submitter. Criteria: ICSL Variant Classification Criteria 13 December 2019. Collection method: clinical testing. Allele origin: germline.
Comment: This variant was observed in the ICSL laboratory as part of a predisposition screen in an ostensibly healthy population. It had not been previously curated by ICSL or reported in the Human Gene Mutation Database (HGMD: prior to June 1st, 2018), and was therefore a candidate for classification through an automated scoring system. Utilizing variant allele frequency, disease prevalence and penetrance estimates, and inheritance mode, an automated score was calculated to assess if this variant is too frequent to cause the disease. Based on the score and internal cut-off values, a variant classified as benign is not then subjected to further curation. The score for this variant resulted in a classification of benign for this disease.

NM_004560.4(ROR2):c.760G>A (p.Asp254Asn)

Gene: ROR2 (receptor tyrosine kinase like orphan receptor 2; minus strand). Cytogenetic location: 9q22.31.
Variant type: single nucleotide variant.
Coding change: c.760G>A on transcript NM_004560.4 (MANE Select); coding-DNA position 760, G replaced by A.
Protein change: p.Asp254Asn; replaces aspartic acid 254 with asparagine.
Molecular consequence: missense variant.
Genome position (GRCh38, 1-based): chr9:91,733,299, C>T on the plus strand (G>A on the coding strand, the complement: ROR2 is on the minus strand). VCF-style: chr9-91733299-C-T. GRCh37 (hg19) VCF-style: chr9-94495581-C-T.
Other names: c.760G>A, p.Asp254Asn (NM_001318204.2); short protein forms D254N.
Identifiers: ClinVar variation 914919 (VCV000914919.15), dbSNP rs374492597, ClinGen allele CA5120900.